The following is an entry in ClinVar:

ClinVar aggregate classification (germline): Uncertain significance. Review status: criteria provided, multiple submitters, no conflicts (2 of 4 stars). 2 submissions from 2 submitters: Uncertain significance (2). Last evaluated 2026-04-17.

Conditions:
Oculodentodigital dysplasia, autosomal recessive. Also called: OCULODENTOOSSEOUS DYSPLASIA, AUTOSOMAL RECESSIVE; ODDD, AUTOSOMAL RECESSIVE; ODOD, AUTOSOMAL RECESSIVE. Identifiers: Orphanet 2710, MedGen C2749477, MONDO:0009768, OMIM 257850.

Submissions (2):

Women's Health and Genetics/Laboratory Corporation of America, LabCorp
Classification: Uncertain significance. Last evaluated: 2026-04-17. Review status: criteria provided, single submitter. Criteria: LabCorp Variant Classification Summary - May 2015. Collection method: clinical testing. Allele origin: germline.
Comment: Variant summary: GJA1 c.1007A>T (p.Asp336Val) results in a non-conservative amino acid change in the encoded protein sequence. Algorithms developed to predict the effect of missense changes on protein structure and function are either unavailable or do not agree on the potential impact of this missense change. The variant was absent in 251188 control chromosomes. The available data on variant occurrences in the general population are insufficient to allow any conclusion about variant significance. To our knowledge, no occurrence of c.1007A>T in individuals affected with GJA1-related conditions and no experimental evidence demonstrating its impact on protein function have been reported. ClinVar contains an entry for this variant (Variation ID: 3714500). Based on the evidence outlined above, the variant was classified as uncertain significance.

Labcorp Genetics (formerly Invitae), Labcorp
Classification: Uncertain significance for Oculodentodigital dysplasia, autosomal recessive. Last evaluated: 2024-04-03. Review status: criteria provided, single submitter. Criteria: Invitae Variant Classification Sherloc (09022015). Collection method: clinical testing. Allele origin: germline.
Comment: This sequence change replaces aspartic acid, which is acidic and polar, with valine, which is neutral and non-polar, at codon 336 of the GJA1 protein (p.Asp336Val). This variant is not present in population databases (gnomAD no frequency). This variant has not been reported in the literature in individuals affected with GJA1-related conditions. Advanced modeling of protein sequence and biophysical properties (such as structural, functional, and spatial information, amino acid conservation, physicochemical variation, residue mobility, and thermodynamic stability) has been performed at Invitae for this missense variant, however the output from this modeling did not meet the statistical confidence thresholds required to predict the impact of this variant on GJA1 protein function. In summary, the available evidence is currently insufficient to determine the role of this variant in disease. Therefore, it has been classified as a Variant of Uncertain Significance.

NM_000165.5(GJA1):c.1007A>T (p.Asp336Val)

Gene: GJA1 (gap junction protein alpha 1; plus strand). Cytogenetic location: 6q22.31.
Variant type: single nucleotide variant.
Coding change: c.1007A>T on transcript NM_000165.5 (MANE Select); coding-DNA position 1007, A replaced by T.
Protein change: p.Asp336Val; replaces aspartic acid 336 with valine.
Molecular consequence: missense variant.
Genome position (GRCh38, 1-based): chr6:121,447,854, A>T. VCF-style: chr6-121447854-A-T. GRCh37 (hg19) VCF-style: chr6-121769000-A-T.
Other names: short protein forms D336V.
Identifiers: ClinVar variation 3714500 (VCV003714500.3).